The following is an entry in ClinVar:

NM_182961.4(SYNE1):c.15227C>T (p.Ala5076Val)

Gene: SYNE1 (spectrin repeat containing nuclear envelope protein 1; minus strand). Cytogenetic location: 6q25.2.
Variant type: single nucleotide variant.
Coding change: c.15227C>T on transcript NM_182961.4 (MANE Select); coding-DNA position 15227, C replaced by T.
Protein change: p.Ala5076Val; replaces alanine 5076 with valine.
Molecular consequence: missense variant.
Genome position (GRCh38, 1-based): chr6:152,326,362, G>A on the plus strand (C>T on the coding strand, the complement: SYNE1 is on the minus strand). VCF-style: chr6-152326362-G-A. GRCh37 (hg19) VCF-style: chr6-152647497-G-A.
Other names: c.15014C>T (NM_033071.3); c.15014C>T, p.Ala5005Val (NM_033071.5); short protein forms A5076V, A5005V.
Identifiers: ClinVar variation 286697 (VCV000286697.10), dbSNP rs756766678, ClinGen allele CA4055857.

ClinVar aggregate classification (germline): Uncertain significance. Review status: criteria provided, multiple submitters, no conflicts (2 of 4 stars). 4 submissions from 4 submitters: Uncertain significance (4). Last evaluated 2025-03-21.

Conditions:
Autosomal recessive ataxia, Beauce type. Also called: Spinocerebellar ataxia, autosomal recessive 8; ATAXIA, RECESSIVE, OF BEAUCE; SYNE1 Deficiency; SYNE1-Related Autosomal Recessive Cerebellar Ataxia. Identifiers: Orphanet 88644, MedGen C1853116, MONDO:0012549, OMIM 610743.
Emery-Dreifuss muscular dystrophy 4, autosomal dominant (EDMD4). Also called: EMERY-DREIFUSS MUSCULAR DYSTROPHY 4 WITH VARIABLE FEATURES. Identifiers: Orphanet 261, MedGen C2751807, MONDO:0013071, OMIM 612998.

Allele frequency attached by ClinVar (database versions not stated): gnomAD exomes below 0.00001; ExAC 0.00001; TOPMed 0.00002.
gnomAD v4.1: 1 of 1,614,176 alleles (0.000062%); highest among the groups gnomAD compares: Admixed American, 0.0017%; no homozygotes.

Submissions (4):

Women's Health and Genetics/Laboratory Corporation of America, LabCorp
Classification: Uncertain significance. Last evaluated: 2025-03-21. Review status: criteria provided, single submitter. Criteria: LabCorp Variant Classification Summary - May 2015. Collection method: clinical testing. Allele origin: germline.
Comment: Variant summary: SYNE1 c.15014C>T (p.Ala5005Val) results in a non-conservative amino acid change in the encoded protein sequence. Two of four in-silico tools predict a benign effect of the variant on protein function. The variant allele was found at a frequency of 4e-06 in 251378 control chromosomes. The available data on variant occurrences in the general population are insufficient to allow any conclusion about variant significance. To our knowledge, no occurrence of c.15014C>T in individuals affected with Autosomal recessive ataxia, Beauce type and no experimental evidence demonstrating its impact on protein function have been reported. ClinVar contains an entry for this variant (Variation ID: 286697). Based on the evidence outlined above, the variant was classified as uncertain significance.

Labcorp Genetics (formerly Invitae), Labcorp
Classification: Uncertain significance for Emery-Dreifuss muscular dystrophy 4, autosomal dominant; Autosomal recessive ataxia, Beauce type. Last evaluated: 2022-08-21. Review status: criteria provided, single submitter. Criteria: Invitae Variant Classification Sherloc (09022015). Collection method: clinical testing. Allele origin: germline.
Comment: This sequence change replaces alanine, which is neutral and non-polar, with valine, which is neutral and non-polar, at codon 5005 of the SYNE1 protein (p.Ala5005Val). This variant is present in population databases (rs756766678, gnomAD 0.003%). This variant has not been reported in the literature in individuals affected with SYNE1-related conditions. ClinVar contains an entry for this variant (Variation ID: 286697). Algorithms developed to predict the effect of missense changes on protein structure and function are either unavailable or do not agree on the potential impact of this missense change (SIFT: "Deleterious"; PolyPhen-2: "Benign"; Align-GVGD: "Class C55"). In summary, the available evidence is currently insufficient to determine the role of this variant in disease. Therefore, it has been classified as a Variant of Uncertain Significance.

Revvity Omics, Revvity
Classification: Uncertain significance. Last evaluated: 2019-07-15. Review status: criteria provided, single submitter. Criteria: ACMG Guidelines, 2015. Collection method: clinical testing. Allele origin: germline.

Eurofins Ntd Llc (ga)
Classification: Uncertain significance. Last evaluated: 2016-03-17. Review status: criteria provided, single submitter. Criteria: EGL Classification Definitions 2015. Collection method: clinical testing. Allele origin: germline. Observed: 1 variant allele, 1 heterozygote.